The following is an entry in ClinVar:

ClinVar aggregate classification (germline): Pathogenic (1 of 4 stars; one submission).

Conditions:
Thyroglobulin synthesis defect (TDH5). Also called: Thyroid dyshormonogenesis 5; HYPOTHYROIDISM, CONGENITAL, DUE TO DYSHORMONOGENESIS, 5; THYROID HORMONOGENESIS, GENETIC DEFECT IN, 5. Identifiers: Orphanet 95716, MedGen C0342196, MONDO:0010137, OMIM 274900.

Submission:

Women's Health and Genetics/Laboratory Corporation of America, LabCorp
Classification: Pathogenic for Thyroglobulin synthesis defect. Last evaluated: 2023-08-07. Review status: criteria provided, single submitter. Criteria: LabCorp Variant Classification Summary - May 2015. Collection method: clinical testing. Allele origin: germline.
Comment: Variant summary: DUOXA2 c.573G>A (p.Trp191X) results in a premature termination codon, predicted to cause absence of the protein due to nonsense mediated decay, a commonly known mechanism for disease. The variant was absent in 234476 control chromosomes (gnomAD). c.573G>A has been reported in the literature in a individuals affected with Thyroglobulin synthesis defect, manifesting as congenital hypothyroidism (Wang_2020). To our knowledge, no experimental evidence demonstrating an impact on protein function has been reported. The following publication has been ascertained in the context of this evaluation (PMID: 32425884). No submitters have cited clinical-significance assessments for this variant to ClinVar after 2014. Based on the evidence outlined above, the variant was classified as pathogenic.

Literature cited by the submitters: PubMed 32425884.

NM_207581.4(DUOXA2):c.573G>A (p.Trp191Ter)

Gene: DUOXA2 (dual oxidase maturation factor 2; plus strand). Cytogenetic location: 15q21.1.
Variant type: single nucleotide variant.
Coding change: c.573G>A on transcript NM_207581.4 (MANE Select); coding-DNA position 573, G replaced by A.
Protein change: p.Trp191Ter; replaces tryptophan 191 with a stop codon.
Molecular consequence: nonsense.
Genome position (GRCh38, 1-based): chr15:45,117,109, G>A. VCF-style: chr15-45117109-G-A. GRCh37 (hg19) VCF-style: chr15-45409307-G-A.
Other names: short protein forms W191*.
Identifiers: ClinVar variation 2581549 (VCV002581549.1), dbSNP rs2504810072, ClinGen allele CA392284008.
Genomic context (GRCh38, chr15:45,117,109, plus strand): 5'-GGGAGAAGCCCGCTCACAGCGGGTCCCCCCACTCCCCGGCAGGGTGGCGTTCTGCTTCTG[G>A]CTCCTCTCCAACGTGCTGCTCTCCACGCCGGCCCCGCTCTACGGAGGCCTGGCACTGCTG-3'